The following is an entry in ClinVar:

ClinVar aggregate classification (germline): Uncertain significance (1 of 4 stars; one submission).

Submission:

GeneDx
Classification: Uncertain significance. Last evaluated: 2023-07-14. Review status: criteria provided, single submitter. Criteria: GeneDx Variant Classification Process June 2021. Collection method: clinical testing. Allele origin: germline. Affected: yes.
Comment: Missense variants in this gene are often considered pathogenic (HGMD); In silico analysis supports that this missense variant has a deleterious effect on protein structure/function; Not observed at significant frequency in large population cohorts (gnomAD); Has not been previously published as pathogenic or benign to our knowledge

NM_170665.4(ATP2A2):c.2926G>A (p.Val976Met)

Gene: ATP2A2 (ATPase sarcoplasmic/endoplasmic reticulum Ca2+ transporting 2; plus strand). Cytogenetic location: 12q24.11.
Variant type: single nucleotide variant.
Coding change: c.2926G>A on transcript NM_170665.4 (MANE Select); coding-DNA position 2926, G replaced by A.
Protein change: p.Val976Met; replaces valine 976 with methionine.
Molecular consequence: missense variant.
Genome position (GRCh38, 1-based): chr12:110,346,267, G>A. VCF-style: chr12-110346267-G-A. GRCh37 (hg19) VCF-style: chr12-110784072-G-A.
Other names: c.2821G>A, p.Val941Met (NM_001413013.1); c.2926G>A, p.Val976Met (NM_001413014.1, NM_001681.4); c.2551G>A, p.Val851Met (NM_001413015.1); short protein forms V851M, V941M, V976M.
Identifiers: ClinVar variation 3360960 (VCV003360960.1).
Genomic context (GRCh38, chr12:110,346,267, plus strand): 5'-TTCCAGATCACACCGCTGAACGTGACCCAGTGGCTGATGGTGCTGAAAATCTCCTTGCCC[G>A]TGATTCTCATGGATGAGACGCTCAAGTTTGTGGCCCGCAACTACCTGGAACCTGGTAAAG-3'
Protein context (NP_733765.1, residues 966-986): WLMVLKISLP[Val976Met]ILMDETLKFV